The following is an entry in ClinVar:

ClinVar aggregate classification (germline): Uncertain significance (1 of 4 stars; one submission).

Conditions:
Cardiovascular phenotype. Identifiers: MedGen CN230736.

Submission:

Ambry Genetics
Classification: Uncertain significance for Cardiovascular phenotype. Last evaluated: 2024-10-21. Review status: criteria provided, single submitter. Criteria: Ambry Variant Classification Scheme 2023. Collection method: clinical testing. Allele origin: germline.
Comment: The p.P182T variant (also known as c.544C>A), located in coding exon 1 of the HCN4 gene, results from a C to A substitution at nucleotide position 544. The proline at codon 182 is replaced by threonine, an amino acid with highly similar properties. This amino acid position is conserved. In addition, this alteration is predicted to be tolerated by in silico analysis. Based on the available evidence, the clinical significance of this variant remains unclear.

NM_005477.3(HCN4):c.544C>A (p.Pro182Thr)

Gene: HCN4 (hyperpolarization activated cyclic nucleotide gated potassium channel 4; minus strand). Cytogenetic location: 15q24.1.
Variant type: single nucleotide variant.
Coding change: c.544C>A on transcript NM_005477.3 (MANE Select); coding-DNA position 544, C replaced by A.
Protein change: p.Pro182Thr; replaces proline 182 with threonine.
Molecular consequence: missense variant.
Genome position (GRCh38, 1-based): chr15:73,367,727, G>T on the plus strand (C>A on the coding strand, the complement: HCN4 is on the minus strand). VCF-style: chr15-73367727-G-T. GRCh37 (hg19) VCF-style: chr15-73660068-G-T.
Other names: short protein forms P182T.
Identifiers: ClinVar variation 3524273 (VCV003524273.1).